The following is an entry in ClinVar:

NM_001365951.3(KIF1B):c.2115+6891G>A

Gene: KIF1B (kinesin family member 1B; plus strand). Cytogenetic location: 1p36.22.
Variant type: single nucleotide variant.
Coding change: c.2115+6891G>A on transcript NM_001365951.3 (MANE Select); 6891 bases into the intron after coding-DNA position 2115, G replaced by A.
Molecular consequence: intron variant. On other transcripts: synonymous variant (2).
Genome position (GRCh38, 1-based): chr1:10,304,137, G>A. VCF-style: chr1-10304137-G-A. GRCh37 (hg19) VCF-style: chr1-10364195-G-A.
Other names: c.2952G>A, p.Glu984= (NM_001365953.1, NM_183416.4); c.1977+6891G>A (NM_015074.3); c.2115+6891G>A (NM_001365952.1).
Identifiers: ClinVar variation 2638201 (VCV002638201.25), dbSNP rs1237235804, ClinGen allele CA521452620.
Genomic context (GRCh38, chr1:10,304,137, plus strand): 5'-CAACCCTAAACACAGAAACTCTTGGAGTCCTGGGACACATATCATCATAACAGAAGATGA[G>A]GTTATAGAGCTTAGGATTCCAAAAGACGATGAAGCAAGGAAAGGGAATAAAGAAGAGAGC-3'

ClinVar aggregate classification (germline): Likely benign. Review status: criteria provided, multiple submitters, no conflicts (2 of 4 stars). 2 submissions from 2 submitters: Likely benign (2). Last evaluated 2024-07-18.

Allele frequency attached by ClinVar (database versions not stated): gnomAD exomes below 0.00001; TOPMed below 0.00001; gnomAD 0.00001.
gnomAD v4.1: 5 of 1,613,986 alleles (0.00031%); highest among the groups gnomAD compares: Non-Finnish European, 0.00042%; no homozygotes.

Submissions (2):

Blueprint Genetics
Classification: Likely benign. Last evaluated: 2024-07-18. Review status: criteria provided, single submitter. Criteria: ACMG Guidelines, 2015. Collection method: clinical testing. Allele origin: germline.

CeGaT Center for Human Genetics Tuebingen
Classification: Likely benign. Last evaluated: 2023-08-01. Review status: criteria provided, single submitter. Criteria: CeGaT Center For Human Genetics Tuebingen Variant Classification Criteria Version 2. Collection method: clinical testing. Allele origin: germline. Affected: yes. Observed: 1 variant allele.
Comment: KIF1B: BP4, BP7